The following is an entry in ClinVar:

ClinVar aggregate classification (germline): Uncertain significance (1 of 4 stars; one submission).

Submission:

Labcorp Genetics (formerly Invitae), Labcorp
Classification: Uncertain significance. Last evaluated: 2024-05-21. Review status: criteria provided, single submitter. Criteria: Invitae Variant Classification Sherloc (09022015). Collection method: clinical testing. Allele origin: germline.
Comment: This sequence change replaces proline, which is neutral and non-polar, with alanine, which is neutral and non-polar, at codon 47 of the DRP2 protein (p.Pro47Ala). This variant is not present in population databases (gnomAD no frequency). This variant has not been reported in the literature in individuals affected with DRP2-related conditions. Advanced modeling of protein sequence and biophysical properties (such as structural, functional, and spatial information, amino acid conservation, physicochemical variation, residue mobility, and thermodynamic stability) performed at Invitae indicates that this missense variant is not expected to disrupt DRP2 protein function with a negative predictive value of 80%. In summary, the available evidence is currently insufficient to determine the role of this variant in disease. Therefore, it has been classified as a Variant of Uncertain Significance.

NM_001939.3(DRP2):c.139C>G (p.Pro47Ala)

Gene: DRP2 (dystrophin related protein 2; plus strand). Cytogenetic location: Xq22.1.
Variant type: single nucleotide variant.
Coding change: c.139C>G on transcript NM_001939.3 (MANE Select); coding-DNA position 139, C replaced by G.
Protein change: p.Pro47Ala; replaces proline 47 with alanine.
Molecular consequence: missense variant. On other transcripts: 5 prime UTR variant (1).
Genome position (GRCh38, 1-based): chrX:101,235,881, C>G. VCF-style: chrX-101235881-C-G. GRCh37 (hg19) VCF-style: chrX-100490870-C-G.
Other names: c.-96C>G (NM_001171184.2); short protein forms P47A.
Identifiers: ClinVar variation 2816105 (VCV002816105.3), dbSNP rs779310413, ClinGen allele CA333088931.
Genomic context (GRCh38, chrX:101,235,881, plus strand): 5'-ACAATCCAAGGATCACAGGATGTTTGTGTTTCTGTCCAGGTTAGAGCTGCTGTCACCAGC[C>G]CTGCACCTCCTCAAGATGGTGCTGGGGTTCCCTGCCTAAGCCTAAAGCTGTTGAACGGGT-3'
Protein context (NP_001930.2, residues 37-57): HPQVRAAVTS[Pro47Ala]APPQDGAGVP